The following is an entry in ClinVar:

NM_001384474.1(LOXHD1):c.3740A>G (p.Asp1247Gly)

Gene: LOXHD1 (lipoxygenase homology PLAT domains 1; minus strand). Cytogenetic location: 18q21.1.
Variant type: single nucleotide variant.
Coding change: c.3740A>G on transcript NM_001384474.1 (MANE Select); coding-DNA position 3740, A replaced by G.
Protein change: p.Asp1247Gly; replaces aspartic acid 1247 with glycine.
Molecular consequence: missense variant.
Genome position (GRCh38, 1-based): chr18:46,542,735, T>C on the plus strand (A>G on the coding strand, the complement: LOXHD1 is on the minus strand). VCF-style: chr18-46542735-T-C. GRCh37 (hg19) VCF-style: chr18-44122698-T-C.
Other names: c.407A>G, p.Asp136Gly (NM_001145472.3); c.119A>G, p.Asp40Gly (NM_001308013.2); c.3740A>G, p.Asp1247Gly (NM_144612.7); short protein forms D1247G, D40G, D136G.
Identifiers: ClinVar variation 4977587 (VCV004977587.1).

ClinVar aggregate classification (germline): Uncertain significance (1 of 4 stars; one submission).

Conditions:
LOXHD1-related disorder. Also called: LOXHD1-related condition.

gnomAD v4.1: 1 of 1,551,636 alleles (0.000064%); highest among the groups gnomAD compares: Admixed American, 0.002%; no homozygotes.

Submission:

PreventionGenetics, part of Exact Sciences
Classification: Uncertain significance for LOXHD1-related condition. Last evaluated: 2026-04-12. Review status: criteria provided, single submitter. Criteria: ACMG Guidelines, 2015. Collection method: clinical testing. Allele origin: germline.
Comment: The LOXHD1 c.3740A>G variant is predicted to result in the amino acid substitution p.Asp1247Gly. To our knowledge, this variant has not been reported in the literature or in a large population database (gnomAD), indicating this variant is rare. At this time, the clinical significance of this variant is uncertain due to the absence of conclusive functional and genetic evidence.